The following is an entry in ClinVar:

NM_002519.3(NPAT):c.4117G>C (p.Glu1373Gln)

Gene: NPAT (nuclear protein, coactivator of histone transcription; minus strand). Cytogenetic location: 11q22.3.
Variant type: single nucleotide variant.
Coding change: c.4117G>C on transcript NM_002519.3 (MANE Select); coding-DNA position 4117, G replaced by C.
Protein change: p.Glu1373Gln; replaces glutamic acid 1373 with glutamine.
Molecular consequence: missense variant.
Genome position (GRCh38, 1-based): chr11:108,160,969, C>G on the plus strand (G>C on the coding strand, the complement: NPAT is on the minus strand). VCF-style: chr11-108160969-C-G. GRCh37 (hg19) VCF-style: chr11-108031696-C-G.
Other names: c.4138G>C, p.Glu1380Gln (NM_001321307.1); short protein forms E1373Q, E1380Q.
Identifiers: ClinVar variation 3300723 (VCV003300723.1).
Genomic context (GRCh38, chr11:108,160,969, plus strand): 5'-ATGAATTTGTAAGATTTTTACTAGAAGGACGAGAGTTTCGCTCACGTTCATCTAATTCCT[C>G]AATTTTCCGCTTTTTTGTGGTGCTCCTTGAAGATGCTCTAAACTGTTGTGTGTTATCTTT-3'
Protein context (NP_002510.2, residues 1363-1383): SRSTTKKRKI[Glu1373Gln]ELDERERNSR

ClinVar aggregate classification (germline): Uncertain significance (1 of 4 stars; one submission).

Submission:

Ambry Genetics
Classification: Uncertain significance. Last evaluated: 2024-06-16. Review status: criteria provided, single submitter. Criteria: Ambry Variant Classification Scheme 2023. Collection method: clinical testing. Allele origin: germline.
Comment: The p.E1373Q variant (also known as c.4117G>C), located in coding exon 17 of the NPAT gene, results from a G to C substitution at nucleotide position 4117. The glutamic acid at codon 1373 is replaced by glutamine, an amino acid with highly similar properties. This amino acid position is conserved. In addition, this alteration is predicted to be tolerated by in silico analysis. Based on the available evidence, the clinical significance of this variant remains unclear.